The following is an entry in ClinVar:

NM_001943.5(DSG2):c.1880-3C>T

Gene: DSG2 (desmoglein 2; plus strand). Cytogenetic location: 18q12.1.
Variant type: single nucleotide variant.
Coding change: c.1880-3C>T on transcript NM_001943.5 (MANE Select); 3 bases into the intron before coding-DNA position 1880, C replaced by T.
Molecular consequence: intron variant.
Genome position (GRCh38, 1-based): chr18:31,541,190, C>T. VCF-style: chr18-31541190-C-T. GRCh37 (hg19) VCF-style: chr18-29121153-C-T.
Identifiers: ClinVar variation 1220014 (VCV001220014.9), dbSNP rs2073264462, ClinGen allele CA988927513.

ClinVar aggregate classification (germline): Conflicting classifications of pathogenicity. Review status: criteria provided, conflicting classifications (1 of 4 stars). 2 submissions from 2 submitters: Uncertain significance (1); Likely benign (1). Last evaluated 2022-02-03.

Conditions:
Arrhythmogenic right ventricular dysplasia 10. Also called: Arrhythmogenic right ventricular dysplasia/cardiomyopathy, type 10; Arrhythmogenic Right Ventricular Dysplasia/Cardiomyopathy10; ARRHYTHMOGENIC RIGHT VENTRICULAR DYSPLASIA, FAMILIAL, 10. Identifiers: MedGen C1857777, MONDO:0012434, OMIM 610193.

Allele frequency attached by ClinVar (database versions not stated): gnomAD 0.00001.
gnomAD v4.1: 1 of 1,613,996 alleles (0.000062%); highest among the groups gnomAD compares: African/African-American, 0.0013%; no homozygotes.

Submissions (2):

Labcorp Genetics (formerly Invitae), Labcorp
Classification: Uncertain significance for Arrhythmogenic right ventricular dysplasia 10. Last evaluated: 2022-02-03. Review status: criteria provided, single submitter. Criteria: Invitae Variant Classification Sherloc (09022015). Collection method: clinical testing. Allele origin: germline.
Comment: In summary, the available evidence is currently insufficient to determine the role of this variant in disease. Therefore, it has been classified as a Variant of Uncertain Significance. Variants that disrupt the consensus splice site are a relatively common cause of aberrant splicing (PMID: 17576681, 9536098). Algorithms developed to predict the effect of sequence changes on RNA splicing suggest that this variant is not likely to affect RNA splicing. ClinVar contains an entry for this variant (Variation ID: 1220014). This variant has not been reported in the literature in individuals affected with DSG2-related conditions. This variant is not present in population databases (gnomAD no frequency). This sequence change falls in intron 12 of the DSG2 gene. It does not directly change the encoded amino acid sequence of the DSG2 protein. It affects a nucleotide within the consensus splice site.

GeneDx
Classification: Likely benign. Last evaluated: 2021-06-08. Review status: criteria provided, single submitter. Criteria: GeneDx Variant Classification Process June 2021. Collection method: clinical testing. Allele origin: germline. Affected: yes.

Literature cited by the submitters: PubMed 17576681 (cited by Labcorp Genetics (formerly Invitae), Labcorp); PubMed 9536098 (cited by Labcorp Genetics (formerly Invitae), Labcorp).